The following is an entry in ClinVar:

NM_005751.5(AKAP9):c.8363T>C (p.Ile2788Thr)

Gene: AKAP9 (A-kinase anchoring protein 9; plus strand). Cytogenetic location: 7q21.2.
Variant type: single nucleotide variant.
Coding change: c.8363T>C on transcript NM_005751.5 (MANE Select); coding-DNA position 8363, T replaced by C.
Protein change: p.Ile2788Thr; replaces isoleucine 2788 with threonine.
Molecular consequence: missense variant.
Genome position (GRCh38, 1-based): chr7:92,083,372, T>C. VCF-style: chr7-92083372-T-C. GRCh37 (hg19) VCF-style: chr7-91712686-T-C.
Other names: c.3008T>C, p.Ile1003Thr (NM_001379277.1); c.8339T>C, p.Ile2780Thr (NM_147185.3); short protein forms I2788T, I2780T, I1003T.
Identifiers: ClinVar variation 457125 (VCV000457125.8), dbSNP rs1554454234, ClinGen allele CA368138671.

ClinVar aggregate classification (germline): Uncertain significance (1 of 4 stars; one submission).

Conditions:
Long QT syndrome (LQTS). Identifiers: MedGen C0023976, MeSH D008133, MONDO:0002442. Disease mechanism: loss of function. Inheritance: Various modes of inheritance.

Submission:

Labcorp Genetics (formerly Invitae), Labcorp
Classification: Uncertain significance for Long QT syndrome. Last evaluated: 2017-05-26. Review status: criteria provided, single submitter. Criteria: Invitae Variant Classification Sherloc (09022015). Collection method: clinical testing. Allele origin: germline.
Comment: Algorithms developed to predict the effect of missense changes on protein structure and function do not agree on the potential impact of this missense change (SIFT: "Deleterious"; PolyPhen-2: "Benign"; Align-GVGD: "Class C0"). In summary, this variant is a novel missense change with uncertain impact on protein function. It has been classified as a Variant of Uncertain Significance. This variant is not present in population databases (ExAC no frequency) and has not been reported in the literature in individuals with a AKAP9-related disease. This sequence change replaces isoleucine with threonine at codon 2788 of the AKAP9 protein (p.Ile2788Thr). The isoleucine residue is weakly conserved and there is a moderate physicochemical difference between isoleucine and threonine.